The following is an entry in ClinVar:

NM_000875.5(IGF1R):c.3743G>A (p.Cys1248Tyr)

Gene: IGF1R (insulin like growth factor 1 receptor; plus strand). Cytogenetic location: 15q26.3.
Variant type: single nucleotide variant.
Coding change: c.3743G>A on transcript NM_000875.5 (MANE Select); coding-DNA position 3743, G replaced by A.
Protein change: p.Cys1248Tyr; replaces cysteine 1248 with tyrosine.
Molecular consequence: missense variant.
Genome position (GRCh38, 1-based): chr15:98,957,081, G>A. VCF-style: chr15-98957081-G-A. GRCh37 (hg19) VCF-style: chr15-99500310-G-A.
Other names: c.3740G>A, p.Cys1247Tyr (NM_001291858.2); short protein forms C1247Y, C1248Y.
Identifiers: ClinVar variation 3573475 (VCV003573475.2).
Genomic context (GRCh38, chr15:98,957,081, plus strand): 5'-CCTCCCGGTTTGGACCCCCTCCCGTGTGTCTTGGCTGCAGGTTTGAACTGATGCGCATGT[G>A]CTGGCAGTATAACCCCAAGATGAGGCCTTCCTTCCTGGAGATCATCAGCAGCATCAAAGA-3'
Protein context (NP_000866.1, residues 1238-1258): PDMLFELMRM[Cys1248Tyr]WQYNPKMRPS

ClinVar aggregate classification (germline): Uncertain significance (1 of 4 stars; one submission).

Submission:

GeneDx
Classification: Uncertain significance. Last evaluated: 2025-10-31. Review status: criteria provided, single submitter. Criteria: GeneDx Variant Classification Process June 2021. Collection method: clinical testing. Allele origin: germline.
Comment: Identified in the heterozygous state in two siblings with pre- and postnatal growth delay who inherited the variant from their father with short stature and type 2 diabetes mellitus (PMID: 25153223); Not observed at significant frequency in large population cohorts (gnomAD); In silico analysis supports that this missense variant has a deleterious effect on protein structure/function; This variant is associated with the following publications: (PMID: 25153223)